The following is an entry in ClinVar:

NM_000129.4(F13A1):c.2158G>A (p.Gly720Ser)

Gene: F13A1 (coagulation factor XIII A chain; minus strand). Cytogenetic location: 6p25.1.
Variant type: single nucleotide variant.
Coding change: c.2158G>A on transcript NM_000129.4 (MANE Select); coding-DNA position 2158, G replaced by A.
Protein change: p.Gly720Ser; replaces glycine 720 with serine.
Molecular consequence: missense variant.
Genome position (GRCh38, 1-based): chr6:6,145,660, C>T on the plus strand (G>A on the coding strand, the complement: F13A1 is on the minus strand). VCF-style: chr6-6145660-C-T. GRCh37 (hg19) VCF-style: chr6-6145893-C-T.
Other names: short protein forms G720S.
Identifiers: ClinVar variation 5018132 (VCV005018132.1).

ClinVar aggregate classification (germline): Uncertain significance (1 of 4 stars; one submission).

gnomAD v4.1: 6 of 1,614,046 alleles (0.00037%); highest among the groups gnomAD compares: Non-Finnish European, 0.00051%; no homozygotes.

Submission:

GeneDx
Classification: Uncertain significance. Last evaluated: 2026-04-06. Review status: criteria provided, single submitter. Criteria: GeneDx Variant Classification Process June 2021. Collection method: clinical testing. Allele origin: germline.
Comment: Not observed at significant frequency in large population cohorts (gnomAD); In silico analysis supports that this missense variant has a deleterious effect on protein structure/function; Has not been previously reported as pathogenic or benign in association with F13A1-related disorders to our knowledge; This variant is associated with the following publications: (PMID: 32224444)